The following is an entry in ClinVar:

ClinVar aggregate classification (germline): Benign/Likely benign. Review status: criteria provided, multiple submitters, no conflicts (2 of 4 stars). 3 submissions from 3 submitters: Benign (1); Likely benign (2). Last evaluated 2026-03-06.

Conditions:
CSMD1-related disorder. Also called: CSMD1-related condition.

Allele frequency attached by ClinVar (database versions not stated): 1000 Genomes Project 30x 0.00094; 1000 Genomes Project 0.00100; ExAC 0.00122; gnomAD exomes 0.00143; gnomAD 0.00162 and 0.00171; TOPMed 0.00165; ESP Exome Variant Server 0.00254.
gnomAD v4.1: 4,366 of 1,613,984 alleles (0.27%); highest among the groups gnomAD compares: Non-Finnish European, 0.35%; 14 homozygotes.

Submissions (3):

PreventionGenetics, part of Exact Sciences
Classification: Likely benign for CSMD1-related condition. Last evaluated: 2026-03-06. Review status: criteria provided, single submitter. Criteria: ACMG Guidelines, 2015. Collection method: clinical testing. Allele origin: germline.
Comment: This variant is classified as likely benign based on ACMG/AMP sequence variant interpretation guidelines (Richards et al. 2015 PMID: 25741868, with internal and published modifications).

Ambry Genetics
Classification: Likely benign. Last evaluated: 2025-08-03. Review status: criteria provided, single submitter. Criteria: Ambry Variant Classification Scheme 2023. Collection method: clinical testing. Allele origin: germline.

CeGaT Center for Human Genetics Tuebingen
Classification: Benign. Last evaluated: 2025-05-01. Review status: criteria provided, single submitter. Criteria: CeGaT Center For Human Genetics Tuebingen Variant Classification Criteria Version 2. Collection method: clinical testing. Allele origin: germline. Affected: yes. Observed: 3 variant alleles.
Comment: CSMD1: BP4, BS1, BS2

NM_033225.6(CSMD1):c.7327A>G (p.Ile2443Val)

Gene: CSMD1 (CUB and Sushi multiple domains 1; minus strand). Cytogenetic location: 8p23.2.
Variant type: single nucleotide variant.
Coding change: c.7327A>G on transcript NM_033225.6 (MANE Select); coding-DNA position 7327, A replaced by G.
Protein change: p.Ile2443Val; replaces isoleucine 2443 with valine.
Molecular consequence: missense variant.
Genome position (GRCh38, 1-based): chr8:3,087,244, T>C on the plus strand (A>G on the coding strand, the complement: CSMD1 is on the minus strand). VCF-style: chr8-3087244-T-C. GRCh37 (hg19) VCF-style: chr8-2944766-T-C.
Other names: c.7327A>G (NM_033225.5); short protein forms I2443V.
Identifiers: ClinVar variation 810246 (VCV000810246.44), dbSNP rs80307148, ClinGen allele CA4606044.